The following is an entry in ClinVar:

ClinVar aggregate classification (germline): Likely benign. Review status: criteria provided, multiple submitters, no conflicts (2 of 4 stars). 3 submissions from 3 submitters: Likely benign (3). Last evaluated 2025-12-03.

Conditions:
EP300-related disorder. Also called: EP300-related disorders; EP300-related condition.
Rubinstein-Taybi syndrome due to EP300 haploinsufficiency. Also called: EP300-Related Rubinstein-Taybi Syndrome; RUBINSTEIN-TAYBI SYNDROME 2. Identifiers: Orphanet 353284, Orphanet 783, MedGen C3150941, MONDO:0013364, OMIM 613684.

Allele frequency attached by ClinVar (database versions not stated): ExAC 0.00001; gnomAD exomes 0.00023.
gnomAD v4.1: 322 of 1,613,502 alleles (0.02%); highest among the groups gnomAD compares: Non-Finnish European, 0.027%; no homozygotes.

Submissions (3):

Labcorp Genetics (formerly Invitae), Labcorp
Classification: Likely benign for Rubinstein-Taybi syndrome due to EP300 haploinsufficiency. Last evaluated: 2025-12-03. Review status: criteria provided, single submitter. Criteria: Invitae Variant Classification Sherloc (09022015). Collection method: clinical testing. Allele origin: germline.

PreventionGenetics, part of Exact Sciences
Classification: Likely benign for EP300-related condition. Last evaluated: 2025-11-19. Review status: criteria provided, single submitter. Criteria: ACMG Guidelines, 2015. Collection method: clinical testing. Allele origin: germline.
Comment: This variant is classified as likely benign based on ACMG/AMP sequence variant interpretation guidelines (Richards et al. 2015 PMID: 25741868, with internal and published modifications).

CeGaT Center for Human Genetics Tuebingen
Classification: Likely benign. Last evaluated: 2025-03-01. Review status: criteria provided, single submitter. Criteria: CeGaT Center For Human Genetics Tuebingen Variant Classification Criteria Version 2. Collection method: clinical testing. Allele origin: germline. Affected: yes. Observed: 1 variant allele.
Comment: EP300: BP4

NM_001429.4(EP300):c.394A>T (p.Thr132Ser)

Gene: EP300 (EP300 lysine acetyltransferase; plus strand). Cytogenetic location: 22q13.2.
Variant type: single nucleotide variant.
Coding change: c.394A>T on transcript NM_001429.4 (MANE Select); coding-DNA position 394, A replaced by T.
Protein change: p.Thr132Ser; replaces threonine 132 with serine.
Molecular consequence: missense variant.
Genome position (GRCh38, 1-based): chr22:41,117,486, A>T. VCF-style: chr22-41117486-A-T. GRCh37 (hg19) VCF-style: chr22-41513490-A-T.
Other names: c.394A>T, p.Thr132Ser (NM_001362843.2); short protein forms T132S.
Identifiers: ClinVar variation 3035831 (VCV003035831.11), dbSNP rs748820102, ClinGen allele CA10252240.
Genomic context (GRCh38, chr22:41,117,486, plus strand): 5'-AGTCCTGGATTAGGTTTGATAAATAGCATGGTCAAAAGCCCAATGACACAGGCAGGCTTG[A>T]CTTCTCCCAACATGGGGATGGGCACTAGTGGACCAAATCAGGGTCCTACGCAGTCAACAG-3'
Protein context (NP_001420.2, residues 122-142): VKSPMTQAGL[Thr132Ser]SPNMGMGTSG